The following is an entry in ClinVar:

NM_001018113.3(FANCB):c.16G>A (p.Ala6Thr)

Gene: FANCB (FA complementation group B; minus strand). Cytogenetic location: Xp22.2.
Variant type: single nucleotide variant.
Coding change: c.16G>A on transcript NM_001018113.3 (MANE Select); coding-DNA position 16, G replaced by A.
Protein change: p.Ala6Thr; replaces alanine 6 with threonine.
Molecular consequence: missense variant. On other transcripts: non-coding transcript variant (1).
Genome position (GRCh38, 1-based): chrX:14,865,495, C>T on the plus strand (G>A on the coding strand, the complement: FANCB is on the minus strand). VCF-style: chrX-14865495-C-T. GRCh37 (hg19) VCF-style: chrX-14883617-C-T.
Other names: c.16G>A, p.Ala6Thr (NM_001324162.2, NM_152633.4); short protein forms A6T.
Identifiers: ClinVar variation 1384625 (VCV001384625.8), dbSNP rs5935815, ClinGen allele CA327063418.

ClinVar aggregate classification (germline): Uncertain significance (1 of 4 stars; one submission).

Conditions:
Fanconi anemia (FA). Also called: Fanconi's anemia. Identifiers: Orphanet 84, MedGen C0015625, MeSH D005199, MONDO:0019391.

Submission:

Labcorp Genetics (formerly Invitae), Labcorp
Classification: Uncertain significance for Fanconi anemia. Last evaluated: 2024-08-12. Review status: criteria provided, single submitter. Criteria: Invitae Variant Classification Sherloc (09022015). Collection method: clinical testing. Allele origin: germline.
Comment: This sequence change replaces alanine, which is neutral and non-polar, with threonine, which is neutral and polar, at codon 6 of the FANCB protein (p.Ala6Thr). This variant is not present in population databases (gnomAD no frequency). This variant has not been reported in the literature in individuals affected with FANCB-related conditions. ClinVar contains an entry for this variant (Variation ID: 1384625). An algorithm developed to predict the effect of missense changes on protein structure and function outputs the following: PolyPhen-2: "Benign". The threonine amino acid residue is found in multiple mammalian species, which suggests that this missense change does not adversely affect protein function. In summary, the available evidence is currently insufficient to determine the role of this variant in disease. Therefore, it has been classified as a Variant of Uncertain Significance.